The following is an entry in ClinVar:

ClinVar aggregate classification (germline): Likely benign (1 of 4 stars; one submission).

Conditions:
GPRASP2-related disorder. Also called: GPRASP2-related condition.

gnomAD v4.1: 48 of 1,211,484 alleles (0.004%); highest among the groups gnomAD compares: Non-Finnish European, 0.0049%; no homozygotes.

Submission:

PreventionGenetics, part of Exact Sciences
Classification: Likely benign for GPRASP2-related condition. Last evaluated: 2025-11-15. Review status: criteria provided, single submitter. Criteria: ACMG Guidelines, 2015. Collection method: clinical testing. Allele origin: germline.
Comment: This variant is classified as likely benign based on ACMG/AMP sequence variant interpretation guidelines (Richards et al. 2015 PMID: 25741868, with internal and published modifications).

NM_001004051.4(GPRASP2):c.177G>A (p.Ala59=)

Genes: ARMCX5-GPRASP2 (ARMCX5-GPRASP2 readthrough; plus strand), GPRASP2 (G protein-coupled receptor associated sorting protein 2; plus strand). Cytogenetic location: Xq22.1.
Variant type: single nucleotide variant.
Coding change: c.177G>A on transcript NM_001004051.4 (MANE Select); coding-DNA position 177, G replaced by A.
Protein change: p.Ala59=; no amino-acid change (alanine 59 retained).
Molecular consequence: synonymous variant. On other transcripts: intron variant (3).
Genome position (GRCh38, 1-based): chrX:102,715,046, G>A. VCF-style: chrX-102715046-G-A. GRCh37 (hg19) VCF-style: chrX-101969974-G-A.
Other names: c.177G>A, p.Ala59= (NM_001199818.1, NM_001184874.3, NM_001184875.3 and 2 more transcripts); c.-820+780G>A (NM_001350268.2); c.-752+780G>A (NM_001350269.2); c.-721+780G>A (NM_001350270.1).
Identifiers: ClinVar variation 4980796 (VCV004980796.1).
Genomic context (GRCh38, chrX:102,715,046, plus strand): 5'-GGTTAGGACCCAGGCAACTACTGGGGCAAGGCCCAAAACTGAGACCAAGTCTGTGCCTGC[G>A]GCAAGGCCCAAAACTGAGGCCCAAGCAATGTCTGGGGCAAGGCCCAAAACTGAGGTCCAA-3'
Protein context (NP_001004051.1, residues 49-69): RPKTETKSVP[Ala59=]ARPKTEAQAM